The following is an entry in ClinVar:

NM_001379081.2(FREM1):c.4879G>T (p.Ala1627Ser)

Gene: FREM1 (FRAS1 related extracellular matrix 1; minus strand). Cytogenetic location: 9p22.3.
Variant type: single nucleotide variant.
Coding change: c.4879G>T on transcript NM_001379081.2 (MANE Select); coding-DNA position 4879, G replaced by T.
Protein change: p.Ala1627Ser; replaces alanine 1627 with serine.
Molecular consequence: missense variant. On other transcripts: non-coding transcript variant (2).
Genome position (GRCh38, 1-based): chr9:14,770,785, C>A on the plus strand (G>T on the coding strand, the complement: FREM1 is on the minus strand). VCF-style: chr9-14770785-C-A. GRCh37 (hg19) VCF-style: chr9-14770783-C-A.
Other names: c.487G>T, p.Ala163Ser (NM_001177704.3, NM_001370058.2, NM_001370061.2); c.4879G>T, p.Ala1627Ser (NM_144966.7); short protein forms A163S, A1627S.
Identifiers: ClinVar variation 912682 (VCV000912682.16), dbSNP rs370198850, ClinGen allele CA4989977.
Genomic context (GRCh38, chr9:14,770,785, plus strand): 5'-AGCAGCCATTTTTCAGGAGCCCCACTTGAGAAGGGGAATGCAAGAGTGTGATACGAGGAG[C>A]TGTTTTGTCCAATTGGTCTACCTGGATCATCAACAATGACATAAAATGTTGTCCAAAGGC-3'
Protein context (NP_001366010.1, residues 1617-1637): TIQVDQLDKT[Ala1627Ser]PRITLLHSPS

ClinVar aggregate classification (germline): Conflicting classifications of pathogenicity. Review status: criteria provided, conflicting classifications (1 of 4 stars). 5 submissions from 5 submitters: Uncertain significance (1); Likely benign (3). 1 of the submissions does not count toward it. Last evaluated 2026-08-01.

Conditions:
FREM1-related disorder. Also called: FREM1-Related Disorders; FREM1-related condition.
Oculotrichoanal syndrome (MOTA). Also called: MARLES SYNDROME; Manitoba Oculotrichoanal (MOTA) Syndrome. Identifiers: Orphanet 2717, MedGen C1855425, MONDO:0009560, OMIM 248450.

Allele frequency attached by ClinVar (database versions not stated): gnomAD 0.00006 and 0.00025; ESP Exome Variant Server 0.00008; TOPMed 0.00011; 1000 Genomes Project 30x 0.00016; 1000 Genomes Project 0.00020; gnomAD exomes 0.00066; ExAC 0.00086.
gnomAD v4.1: 647 of 1,612,460 alleles (0.04%); highest among the groups gnomAD compares: South Asian, 0.52%; 6 homozygotes.

Submissions (5):

CeGaT Center for Human Genetics Tuebingen
Classification: Likely benign. Last evaluated: 2026-08-01. Review status: criteria provided, single submitter. Criteria: CeGaT Center For Human Genetics Tuebingen Variant Classification Criteria Version 2. Collection method: clinical testing. Allele origin: germline. Affected: yes. Observed: 1 variant allele.
Comment: FREM1: BP4

Labcorp Genetics (formerly Invitae), Labcorp
Classification: Likely benign. Last evaluated: 2026-02-01. Review status: criteria provided, single submitter. Criteria: Invitae Variant Classification Sherloc (09022015). Collection method: clinical testing. Allele origin: germline.

Revvity Omics, Revvity
Classification: Uncertain significance. Last evaluated: 2023-10-30. Review status: criteria provided, single submitter. Criteria: ACMG Guidelines, 2015. Collection method: clinical testing. Allele origin: germline.

Illumina Laboratory Services, Illumina
Classification: Likely benign for Oculotrichoanal syndrome. Last evaluated: 2018-01-13. Review status: criteria provided, single submitter. Criteria: ICSL Variant Classification Criteria 13 December 2019. Collection method: clinical testing. Allele origin: germline.
Comment: This variant was observed in the ICSL laboratory as part of a predisposition screen in an ostensibly healthy population. It had not been previously curated by ICSL or reported in the Human Gene Mutation Database (HGMD: prior to June 1st, 2018), and was therefore a candidate for classification through an automated scoring system. Utilizing variant allele frequency, disease prevalence and penetrance estimates, and inheritance mode, an automated score was calculated to assess if this variant is too frequent to cause the disease. Based on the score and internal cut-off values, a variant classified as likely benign is not then subjected to further curation. The score for this variant resulted in a classification of likely benign for this disease.

PreventionGenetics, part of Exact Sciences
Classification: Likely benign for FREM1-related condition. Last evaluated: 2022-04-06. Review status: no assertion criteria provided. Collection method: clinical testing. Allele origin: germline. Not counted in ClinVar's aggregate classification.
Comment: This variant is classified as likely benign based on ACMG/AMP sequence variant interpretation guidelines (Richards et al. 2015 PMID: 25741868, with internal and published modifications).